The following is an entry in ClinVar:

ClinVar aggregate classification (germline): Uncertain significance (1 of 4 stars; one submission).

Conditions:
Dilated cardiomyopathy 1AA (CMD1AA). Also called: CARDIOMYOPATHY, DILATED, 1AA, WITH OR WITHOUT LEFT VENTRICULAR NONCOMPACTION; CARDIOMYOPATHY, FAMILIAL HYPERTROPHIC, 23, WITH OR WITHOUT LEFT VENTRICULAR NONCOMPACTION; Cardiomyopathy, dilated, 1AA, with or without LVNC. Identifiers: Orphanet 154, MedGen C2677338, MONDO:0012808, OMIM 612158.
Primary familial hypertrophic cardiomyopathy (HCM). Identifiers: Orphanet 99739, MedGen C0949658, MeSH D024741, MONDO:0024573. Inheritance: Various modes of inheritance.

Allele frequency attached by ClinVar (database versions not stated): gnomAD exomes below 0.00001.
gnomAD v4.1: 2 of 1,613,992 alleles (0.00012%); highest among the groups gnomAD compares: Non-Finnish European, 0.00017%; no homozygotes.

Submission:

Labcorp Genetics (formerly Invitae), Labcorp
Classification: Uncertain significance for Primary familial hypertrophic cardiomyopathy; Dilated cardiomyopathy 1AA. Last evaluated: 2016-09-26. Review status: criteria provided, single submitter. Criteria: Invitae Variant Classification Sherloc (09022015). Collection method: clinical testing. Allele origin: germline.
Comment: This sequence change replaces serine with proline at codon 201 of the ACTN2 protein (p.Ser201Pro). The serine residue is highly conserved and there is a moderate physicochemical difference between serine and proline. This variant is not present in population databases (ExAC no frequency) and has not been reported in the literature in individuals with a ACTN2-related disease. Algorithms developed to predict the effect of missense changes on protein structure and function do not agree on the potential impact of this missense change (SIFT: "Deleterious"; PolyPhen-2: "Benign"; Align-GVGD: "Class C65"). In summary, this variant is a novel missense change with uncertain impact on protein function. It has been classified as a Variant of Uncertain Significance.

NM_001103.4(ACTN2):c.601T>C (p.Ser201Pro)

Gene: ACTN2 (actinin alpha 2; plus strand). Cytogenetic location: 1q43.
Variant type: single nucleotide variant.
Coding change: c.601T>C on transcript NM_001103.4 (MANE Select); coding-DNA position 601, T replaced by C.
Protein change: p.Ser201Pro; replaces serine 201 with proline.
Molecular consequence: missense variant. On other transcripts: 5 prime UTR variant (1).
Genome position (GRCh38, 1-based): chr1:236,727,742, T>C. VCF-style: chr1-236727742-T-C. GRCh37 (hg19) VCF-style: chr1-236891042-T-C.
Other names: c.601T>C, p.Ser201Pro (NM_001278343.2); c.-221T>C (NM_001278344.2); short protein forms S201P.
Identifiers: ClinVar variation 412280 (VCV000412280.9), dbSNP rs1060503687, ClinGen allele CA16609987.
Genomic context (GRCh38, chr1:236,727,742, plus strand): 5'-AAAGATGGCCTTGGACTCTGTGCCCTCATCCACCGACACCGGCCTGACCTCATTGACTAC[T>C]CAAAGCTTAACAAGGTTATTCTGGGTGGCCTGGCATGCAGTGTCCCCAGCCACGCGTCTC-3'
Protein context (NP_001094.1, residues 191-211): HRHRPDLIDY[Ser201Pro]KLNKDDPIGN